The following is an entry in ClinVar:

NM_002769.5(PRSS1):c.229A>T (p.Asn77Tyr)

Genes: PRSS1 (serine protease 1; plus strand), TRB (T cell receptor beta locus; plus strand). Cytogenetic location: 7q34.
Variant type: single nucleotide variant.
Coding change: c.229A>T on transcript NM_002769.5 (MANE Select); coding-DNA position 229, A replaced by T.
Protein change: p.Asn77Tyr; replaces asparagine 77 with tyrosine.
Molecular consequence: missense variant. On other transcripts: non-coding transcript variant (2).
Genome position (GRCh38, 1-based): chr7:142,751,802, A>T. VCF-style: chr7-142751802-A-T. GRCh37 (hg19) VCF-style: chr7-142459653-A-T.
Other names: short protein forms N77Y.
Identifiers: ClinVar variation 3310657 (VCV003310657.1).
Genomic context (GRCh38, chr7:142,751,802, plus strand): 5'-AAGGTCTTCACCATGCCTGCCCTGCCCATCAGCCGCATCCAGGTGAGACTGGGAGAGCAC[A>T]ACATCGAAGTCCTGGAGGGGAATGAGCAGTTCATCAATGCAGCCAAGATCATCCGCCACC-3'
Protein context (NP_002760.1, residues 67-87): SRIQVRLGEH[Asn77Tyr]IEVLEGNEQF

ClinVar aggregate classification (germline): Uncertain significance (1 of 4 stars; one submission).

Conditions:
Hereditary pancreatitis (PCTT). Also called: PRSS1-Related Hereditary Pancreatitis; Hereditary chronic pancreatitis. Identifiers: Orphanet 676, MedGen C0238339, MONDO:0008185, OMIM 167800.

Submission:

Ambry Genetics
Classification: Uncertain significance for Hereditary pancreatitis. Last evaluated: 2024-05-27. Review status: criteria provided, single submitter. Criteria: Ambry Variant Classification Scheme 2023. Collection method: clinical testing. Allele origin: germline.
Comment: The p.N77Y variant (also known as c.229A>T), located in coding exon 3 of the PRSS1 gene, results from an A to T substitution at nucleotide position 229. The asparagine at codon 77 is replaced by tyrosine, an amino acid with dissimilar properties. This amino acid position is conserved. In addition, this alteration is predicted to be deleterious by in silico analysis. Based on the available evidence, the clinical significance of this variant remains unclear.